The following is an entry in ClinVar:

ClinVar aggregate classification (germline): Likely benign (1 of 4 stars; one submission).

gnomAD v4.1: 17 of 1,614,216 alleles (0.0011%); highest among the groups gnomAD compares: South Asian, 0.012%; no homozygotes.

Submission:

CeGaT Center for Human Genetics Tuebingen
Classification: Likely benign. Last evaluated: 2024-12-01. Review status: criteria provided, single submitter. Criteria: CeGaT Center For Human Genetics Tuebingen Variant Classification Criteria Version 2. Collection method: clinical testing. Allele origin: germline. Affected: yes. Observed: 1 variant allele.
Comment: HERC2: BP4, BP7

NM_004667.6(HERC2):c.10323G>A (p.Ala3441=)

Gene: HERC2 (HECT and RLD domain containing E3 ubiquitin protein ligase 2; minus strand). Cytogenetic location: 15q13.1.
Variant type: single nucleotide variant.
Coding change: c.10323G>A on transcript NM_004667.6 (MANE Select); coding-DNA position 10323, G replaced by A.
Protein change: p.Ala3441=; no amino-acid change (alanine 3441 retained).
Molecular consequence: synonymous variant.
Genome position (GRCh38, 1-based): chr15:28,168,497, C>T on the plus strand (G>A on the coding strand, the complement: HERC2 is on the minus strand). VCF-style: chr15-28168497-C-T. GRCh37 (hg19) VCF-style: chr15-28413643-C-T.
Identifiers: ClinVar variation 3772110 (VCV003772110.13).